The following is an entry in ClinVar:

NM_001079.4(ZAP70):c.25C>G (p.Pro9Ala)

Gene: ZAP70 (zeta chain of T cell receptor associated protein kinase 70; plus strand). Cytogenetic location: 2q11.2.
Variant type: single nucleotide variant.
Coding change: c.25C>G on transcript NM_001079.4 (MANE Select); coding-DNA position 25, C replaced by G.
Protein change: p.Pro9Ala; replaces proline 9 with alanine.
Molecular consequence: missense variant.
Genome position (GRCh38, 1-based): chr2:97,724,061, C>G. VCF-style: chr2-97724061-C-G. GRCh37 (hg19) VCF-style: chr2-98340524-C-G.
Other names: c.25C>G, p.Pro9Ala (NM_001378594.1); short protein forms P9A.
Identifiers: ClinVar variation 1399829 (VCV001399829.6), dbSNP rs746909186, ClinGen allele CA1790012.
Genomic context (GRCh38, chr2:97,724,061, plus strand): 5'-TCTGTGAACCCGCAGGTTTCGGGAGGCCCAGGGGCGATGCCAGACCCCGCGGCGCACCTG[C>G]CCTTCTTCTACGGCAGCATCTCGCGTGCCGAGGCCGAGGAGCACCTGAAGCTGGCGGGCA-3'
Protein context (NP_001070.2, residues 1-19): MPDPAAHL[Pro9Ala]FFYGSISRAE

ClinVar aggregate classification (germline): Uncertain significance (1 of 4 stars; one submission).

Conditions:
Combined immunodeficiency due to ZAP70 deficiency (IMD48). Also called: Immunodeficiency 48; ZAP70 Deficiency. Identifiers: Orphanet 911, MedGen C2931299, MONDO:0010023, OMIM 269840.

Allele frequency attached by ClinVar (database versions not stated): TOPMed 0.00001; ExAC 0.00005; gnomAD exomes 0.00001.
gnomAD v4.1: 6 of 1,557,554 alleles (0.00039%); highest among the groups gnomAD compares: Non-Finnish European, 0.00043%; no homozygotes.

Submission:

Labcorp Genetics (formerly Invitae), Labcorp
Classification: Uncertain significance for Combined immunodeficiency due to ZAP70 deficiency. Last evaluated: 2022-11-08. Review status: criteria provided, single submitter. Criteria: Invitae Variant Classification Sherloc (09022015). Collection method: clinical testing. Allele origin: germline.
Comment: In summary, the available evidence is currently insufficient to determine the role of this variant in disease. Therefore, it has been classified as a Variant of Uncertain Significance. Algorithms developed to predict the effect of missense changes on protein structure and function are either unavailable or do not agree on the potential impact of this missense change (SIFT: "Not Available"; PolyPhen-2: "Probably Damaging"; Align-GVGD: "Not Available"). ClinVar contains an entry for this variant (Variation ID: 1399829). This variant has not been reported in the literature in individuals affected with ZAP70-related conditions. The frequency data for this variant in the population databases is considered unreliable, as metrics indicate poor data quality at this position in the gnomAD database. This sequence change replaces proline, which is neutral and non-polar, with alanine, which is neutral and non-polar, at codon 9 of the ZAP70 protein (p.Pro9Ala).